The following is an entry in ClinVar:

NM_000642.3(AGL):c.874A>C (p.Ile292Leu)

Gene: AGL (amylo-alpha-1,6-glucosidase and 4-alpha-glucanotransferase; plus strand). Cytogenetic location: 1p21.2.
Variant type: single nucleotide variant.
Coding change: c.874A>C on transcript NM_000642.3 (MANE Select); coding-DNA position 874, A replaced by C.
Protein change: p.Ile292Leu; replaces isoleucine 292 with leucine.
Molecular consequence: missense variant.
Genome position (GRCh38, 1-based): chr1:99,870,785, A>C. VCF-style: chr1-99870785-A-C. GRCh37 (hg19) VCF-style: chr1-100336341-A-C.
Other names: c.874A>C, p.Ile292Leu (NM_000028.3, NM_000643.3, NM_000644.3 and 3 more transcripts); c.826A>C, p.Ile276Leu (NM_000646.3); c.670A>C, p.Ile224Leu (NM_001425328.1, NM_001425329.1); c.496A>C, p.Ile166Leu (NM_001425332.1); short protein forms I276L, I292L, I166L, I224L.
Identifiers: ClinVar variation 1017615 (VCV001017615.6), dbSNP rs1272589048, ClinGen allele CA341341266.

ClinVar aggregate classification (germline): Uncertain significance (1 of 4 stars; one submission).

Conditions:
Glycogen storage disease type III (GSD3). Also called: Cori disease; FORBES DISEASE. Identifiers: Orphanet 366, MedGen C0017922, MONDO:0009291, OMIM 232400.

gnomAD v4.1: 1 of 1,610,012 alleles (0.000062%); highest among the groups gnomAD compares: Non-Finnish European, 0.000085%; no homozygotes.

Submission:

Labcorp Genetics (formerly Invitae), Labcorp
Classification: Uncertain significance for Glycogen storage disease type III. Last evaluated: 2021-09-02. Review status: criteria provided, single submitter. Criteria: Invitae Variant Classification Sherloc (09022015). Collection method: clinical testing. Allele origin: germline.
Comment: This sequence change replaces isoleucine with leucine at codon 292 of the AGL protein (p.Ile292Leu). The isoleucine residue is weakly conserved and there is a small physicochemical difference between isoleucine and leucine. This variant is not present in population databases (ExAC no frequency). This variant has not been reported in the literature in individuals affected with AGL-related conditions. Algorithms developed to predict the effect of missense changes on protein structure and function (SIFT, PolyPhen-2, Align-GVGD) all suggest that this variant is likely to be tolerated. In summary, the available evidence is currently insufficient to determine the role of this variant in disease. Therefore, it has been classified as a Variant of Uncertain Significance.